The following is an entry in ClinVar:

NM_001009944.3(PKD1):c.9202-1G>T

Gene: PKD1 (polycystin 1, transient receptor potential channel interacting; minus strand). Cytogenetic location: 16p13.3.
Variant type: single nucleotide variant.
Coding change: c.9202-1G>T on transcript NM_001009944.3 (MANE Select); the canonical splice acceptor site of the intron before coding-DNA position 9202, G replaced by T.
Molecular consequence: splice acceptor variant.
Genome position (GRCh38, 1-based): chr16:2,102,257, C>A on the plus strand (G>T on the coding strand, the complement: PKD1 is on the minus strand). VCF-style: chr16-2102257-C-A. GRCh37 (hg19) VCF-style: chr16-2152258-C-A.
Other names: c.9202-1G>T (NM_000296.4).
Identifiers: ClinVar variation 3346480 (VCV003346480.1).

ClinVar aggregate classification (germline): Pathogenic (0 of 4 stars; one submission).

Conditions:
PKD1-related disorder. Also called: PKD1-related condition.

Submission:

PreventionGenetics, part of Exact Sciences
Classification: Pathogenic for PKD1-related condition. Last evaluated: 2024-05-29. Review status: no assertion criteria provided. Collection method: clinical testing. Allele origin: germline.
Comment: The PKD1 c.9202-1G>T variant is predicted to disrupt the AG splice acceptor site and interfere with normal splicing. To our knowledge, this variant has not been reported in the literature or in a large population database, indicating this variant is rare. Variants that disrupt the consensus splice acceptor site in PKD1 are expected to be pathogenic. This variant is interpreted as pathogenic.